The following is an entry in ClinVar:

NM_000543.5(SMPD1):c.472G>A (p.Ala158Thr)

Gene: SMPD1 (sphingomyelin phosphodiesterase 1; plus strand). Cytogenetic location: 11p15.4.
Variant type: single nucleotide variant.
Coding change: c.472G>A on transcript NM_000543.5 (MANE Select); coding-DNA position 472, G replaced by A.
Protein change: p.Ala158Thr; replaces alanine 158 with threonine.
Molecular consequence: missense variant. On other transcripts: 5 prime UTR variant (1), non-coding transcript variant (1).
Genome position (GRCh38, 1-based): chr11:6,391,537, G>A. VCF-style: chr11-6391537-G-A. GRCh37 (hg19) VCF-style: chr11-6412767-G-A.
Other names: c.469G>A, p.Ala157Thr (NM_001007593.3); c.472G>A, p.Ala158Thr (NM_001318087.2, NM_001365135.2); c.-490G>A (NM_001318088.2); short protein forms A157T, A158T.
Identifiers: ClinVar variation 1025440 (VCV001025440.7), dbSNP rs369566518, ClinGen allele CA5852608.

ClinVar aggregate classification (germline): Uncertain significance. Review status: criteria provided, single submitter (1 of 4 stars). 2 submissions from 2 submitters: Uncertain significance (1). 1 of the submissions does not count toward it. Last evaluated 2021-08-26.

Conditions:
Niemann-Pick disease, type A. Also called: SPHINGOMYELIN LIPIDOSIS; SPHINGOMYELINASE DEFICIENCY; Infantile Neurovisceral ASMD (Niemann-Pick Disease Type A; NPD-A). Identifiers: Orphanet 77292, MedGen C0268242, MONDO:0009756, OMIM 257200. Disease mechanism: loss of function.
Niemann-Pick disease, type B. Also called: Chronic Visceral ASMD (Niemann-Pick Disease Type B; NPD-B). Identifiers: Orphanet 77293, MedGen C0268243, MONDO:0011871, OMIM 607616. Disease mechanism: loss of function.

Allele frequency attached by ClinVar (database versions not stated): gnomAD exomes below 0.00001 and 0.00001; ExAC 0.00002; TOPMed 0.00002; gnomAD 0.00003 and 0.00004; ESP Exome Variant Server 0.00008.

Submissions (2):

Labcorp Genetics (formerly Invitae), Labcorp
Classification: Uncertain significance for Niemann-Pick disease, type B; Niemann-Pick disease, type A. Last evaluated: 2021-08-26. Review status: criteria provided, single submitter. Criteria: Invitae Variant Classification Sherloc (09022015). Collection method: clinical testing. Allele origin: germline.
Comment: This sequence change replaces alanine with threonine at codon 158 of the SMPD1 protein (p.Ala158Thr). The alanine residue is moderately conserved and there is a small physicochemical difference between alanine and threonine. This variant is present in population databases (rs369566518, ExAC 0.02%). This variant has not been reported in the literature in individuals affected with SMPD1-related conditions. Algorithms developed to predict the effect of missense changes on protein structure and function are either unavailable or do not agree on the potential impact of this missense change (SIFT: "Tolerated"; PolyPhen-2: "Possibly Damaging"; Align-GVGD: "Class C0"). In summary, the available evidence is currently insufficient to determine the role of this variant in disease. Therefore, it has been classified as a Variant of Uncertain Significance.

Natera, Inc.
Classification: Uncertain significance for Niemann-Pick Disease, Types A/B. Last evaluated: 2021-10-04. Review status: no assertion criteria provided. Collection method: clinical testing. Allele origin: germline. Not counted in ClinVar's aggregate classification.